The following is an entry in ClinVar:

NM_020778.5(ALPK3):c.380A>G (p.Glu127Gly)

Gene: ALPK3 (alpha kinase 3; plus strand). Cytogenetic location: 15q25.3.
Variant type: single nucleotide variant.
Coding change: c.380A>G on transcript NM_020778.5 (MANE Select); coding-DNA position 380, A replaced by G.
Protein change: p.Glu127Gly; replaces glutamic acid 127 with glycine.
Molecular consequence: missense variant.
Genome position (GRCh38, 1-based): chr15:84,839,055, A>G. VCF-style: chr15-84839055-A-G. GRCh37 (hg19) VCF-style: chr15-85382286-A-G.
Other names: short protein forms E127G.
Identifiers: ClinVar variation 4871176 (VCV004871176.1).
Genomic context (GRCh38, chr15:84,839,055, plus strand): 5'-AGGTGACCTGGTACAAGGATGATACGGAGCTGGACCGCTACTGTGGCTTGCCAAAATATG[A>G]GATCACTCATCAGGGCAACCGCCACACACTGCAGCTGTACAGGTGAGGGAGAAGGGCCTG-3'
Protein context (NP_065829.4, residues 117-137): LDRYCGLPKY[Glu127Gly]ITHQGNRHTL

ClinVar aggregate classification (germline): Uncertain significance (1 of 4 stars; one submission).

Conditions:
Cardiovascular phenotype. Identifiers: MedGen CN230736.

Submission:

Ambry Genetics
Classification: Uncertain significance for Cardiovascular phenotype. Last evaluated: 2026-03-21. Review status: criteria provided, single submitter. Criteria: Ambry Variant Classification Scheme 2023. Collection method: clinical testing. Allele origin: germline.
Comment: The p.E329G variant (also known as c.986A>G), located in coding exon 4 of the ALPK3 gene, results from an A to G substitution at nucleotide position 986. The glutamic acid at codon 329 is replaced by glycine, an amino acid with similar properties. This amino acid position is conserved. In addition, the in silico prediction for this alteration is inconclusive. Based on the available evidence, the clinical significance of this variant remains unclear.